The following is an entry in ClinVar:

ClinVar aggregate classification (germline): Conflicting classifications of pathogenicity. Review status: criteria provided, conflicting classifications (1 of 4 stars). 6 submissions from 6 submitters: Uncertain significance (2); Benign (1); Likely benign (2). 1 of the submissions does not count toward it. Last evaluated 2026-01-18.

Conditions:
Primary ciliary dyskinesia 23 (CILD23). Also called: CILIARY DYSKINESIA, PRIMARY, 23, WITH OR WITHOUT SITUS INVERSUS. Identifiers: Orphanet 244, MedGen C3809548, MONDO:0014193, OMIM 615451.
ODAD2-related disorder. Also called: ODAD2-related condition.
Primary ciliary dyskinesia. Also called: Ciliary dyskinesia. Identifiers: Orphanet 244, MedGen C0008780, MONDO:0016575, HP:0012265.

Allele frequency attached by ClinVar (database versions not stated): gnomAD exomes 0.00012 and 0.00027; ExAC 0.00035; ESP Exome Variant Server 0.00100; gnomAD 0.00108 and 0.00116; TOPMed 0.00120; 1000 Genomes Project 0.00160; 1000 Genomes Project 30x 0.00187.
gnomAD v4.1: 356 of 1,613,140 alleles (0.022%); highest among the groups gnomAD compares: African/African-American, 0.41%; 2 homozygotes.

Submissions (6):

Labcorp Genetics (formerly Invitae), Labcorp
Classification: Likely benign for Primary ciliary dyskinesia 23. Last evaluated: 2026-01-18. Review status: criteria provided, single submitter. Criteria: Invitae Variant Classification Sherloc (09022015). Collection method: clinical testing. Allele origin: germline.

Blueprint Genetics
Classification: Likely benign. Last evaluated: 2024-09-15. Review status: criteria provided, single submitter. Criteria: ACMG Guidelines, 2015. Collection method: clinical testing. Allele origin: germline.

Baylor Genetics
Classification: Uncertain significance for Primary ciliary dyskinesia 23. Last evaluated: 2023-07-01. Review status: criteria provided, single submitter. Criteria: ACMG Guidelines, 2015. Collection method: clinical testing. Allele origin: unknown.

GeneDx
Classification: Uncertain significance. Last evaluated: 2022-01-31. Review status: criteria provided, single submitter. Criteria: GeneDx Variant Classification Process June 2021. Collection method: clinical testing. Allele origin: germline. Affected: yes.
Comment: In silico analysis supports that this missense variant has a deleterious effect on protein structure/function; Has not been previously published as pathogenic or benign to our knowledge

Ambry Genetics
Classification: Benign for Primary ciliary dyskinesia. Last evaluated: 2016-10-14. Review status: criteria provided, single submitter. Criteria: Ambry Variant Classification Scheme 2023. Collection method: clinical testing. Allele origin: germline.

PreventionGenetics, part of Exact Sciences
Classification: Likely benign for ODAD2-related condition. Last evaluated: 2022-04-18. Review status: no assertion criteria provided. Collection method: clinical testing. Allele origin: germline. Not counted in ClinVar's aggregate classification.
Comment: This variant is classified as likely benign based on ACMG/AMP sequence variant interpretation guidelines (Richards et al. 2015 PMID: 25741868, with internal and published modifications).

NM_018076.5(ODAD2):c.3086C>T (p.Ser1029Phe)

Genes: ODAD2 (outer dynein arm docking complex subunit 2; minus strand), LOC132089773 (Neanderthal introgressed variant-containing enhancer experimental_12116; plus strand). Cytogenetic location: 10p12.1.
Variant type: single nucleotide variant.
Coding change: c.3086C>T on transcript NM_018076.5 (MANE Select); coding-DNA position 3086, C replaced by T.
Protein change: p.Ser1029Phe; replaces serine 1029 with phenylalanine.
Molecular consequence: missense variant.
Genome position (GRCh38, 1-based): chr10:27,812,561, G>A on the plus strand (C>T on the coding strand, the complement: ODAD2 is on the minus strand). VCF-style: chr10-27812561-G-A. GRCh37 (hg19) VCF-style: chr10-28101490-G-A.
Other names: c.3086C>T, p.Ser1029Phe (NM_001290020.2); c.1783C>T, p.Pro595Ser (NM_001290021.2); c.2162C>T, p.Ser721Phe (NM_001312689.2); c.3086C>T (NM_018076.4); short protein forms S1029F, S721F, P595S.
Identifiers: ClinVar variation 417175 (VCV000417175.19), dbSNP rs138588942, ClinGen allele CA5452985.
Genomic context (GRCh38, chr10:27,812,561, plus strand): 5'-CCATTTAAATTTCAAGTGTATCTTGCCTTCTCTGTAGCAAGAGCCAGCCTGCGGATATTG[G>A]ATATACAACCAGCTGCAGCTTCCTGGAGATCCTGGTCAGGGGACCCAACCATATCCAGTA-3'
Protein context (NP_060546.2, residues 1019-1039): DLQEAAAGCI[Ser1029Phe]NIRRLALATE